The following is an entry in ClinVar:

NM_032193.4(RNASEH2C):c.178G>A (p.Glu60Lys)

Gene: RNASEH2C (ribonuclease H2 subunit C; minus strand). Cytogenetic location: 11q13.1.
Variant type: single nucleotide variant.
Coding change: c.178G>A on transcript NM_032193.4 (MANE Select); coding-DNA position 178, G replaced by A.
Protein change: p.Glu60Lys; replaces glutamic acid 60 with lysine.
Molecular consequence: missense variant.
Genome position (GRCh38, 1-based): chr11:65,720,412, C>T on the plus strand (G>A on the coding strand, the complement: RNASEH2C is on the minus strand). VCF-style: chr11-65720412-C-T. GRCh37 (hg19) VCF-style: chr11-65487883-C-T.
Other names: short protein forms E60K.
Identifiers: ClinVar variation 1967524 (VCV001967524.2), dbSNP rs941076637, ClinGen allele CA223999779.

ClinVar aggregate classification (germline): Uncertain significance (1 of 4 stars; one submission).

Conditions:
Aicardi-Goutieres syndrome 3. Identifiers: Orphanet 51, MedGen C1835916, MONDO:0012471, OMIM 610329.

Allele frequency attached by ClinVar (database versions not stated): gnomAD 0.00001.
gnomAD v4.1: 14 of 1,613,788 alleles (0.00087%); highest among the groups gnomAD compares: Admixed American, 0.0033%; no homozygotes.

Submission:

Labcorp Genetics (formerly Invitae), Labcorp
Classification: Uncertain significance for Aicardi-Goutieres syndrome 3. Last evaluated: 2022-02-01. Review status: criteria provided, single submitter. Criteria: Invitae Variant Classification Sherloc (09022015). Collection method: clinical testing. Allele origin: germline.
Comment: This sequence change replaces glutamic acid, which is acidic and polar, with lysine, which is basic and polar, at codon 60 of the RNASEH2C protein (p.Glu60Lys). This variant is present in population databases (no rsID available, gnomAD 0.004%). This variant has not been reported in the literature in individuals affected with RNASEH2C-related conditions. Algorithms developed to predict the effect of missense changes on protein structure and function (SIFT, PolyPhen-2, Align-GVGD) all suggest that this variant is likely to be tolerated. In summary, the available evidence is currently insufficient to determine the role of this variant in disease. Therefore, it has been classified as a Variant of Uncertain Significance.